The following is an entry in ClinVar:

Conditions:
Breast-ovarian cancer, familial, susceptibility to, 1 (BROVCA1). Also called: BRCA1 Hereditary Breast and Ovarian Cancer; OVARIAN CANCER, SUSCEPTIBILITY TO. Identifiers: Orphanet 145, MedGen C2676676, MONDO:0011450, OMIM 604370. Disease mechanism: loss of function.

Submission:

Brotman Baty Institute, University of Washington
No classification provided (evidence only). Condition: Breast-ovarian cancer, familial 1. Review status: no classification provided. Collection method: in vitro. Allele origin: not applicable. Functional consequence: functionally_normal.
ClinVar note: "not provided" was previously submitted as the classification for the variant. However, the classification appeared to be based only on an observation of functional data so it was converted to no classification on 2025-07-30.

NM_007294.4(BRCA1):c.135-9A>C

Gene: BRCA1 (BRCA1 DNA repair associated; minus strand). Cytogenetic location: 17q21.31.
Variant type: single nucleotide variant.
Coding change: c.135-9A>C on transcript NM_007294.4 (MANE Select); 9 bases into the intron before coding-DNA position 135, A replaced by C.
Molecular consequence: intron variant.
Genome position (GRCh38, 1-based): chr17:43,106,542, T>G on the plus strand (A>C on the coding strand, the complement: BRCA1 is on the minus strand). VCF-style: chr17-43106542-T-G. GRCh37 (hg19) VCF-style: chr17-41258559-T-G.
Other names: c.-7-9A>C (NM_001408458.1, NM_001407931.1, NM_001407747.1 and 99 more transcripts); c.-218-11682A>C (NM_001407967.1, NM_001407966.1); c.-169-1586A>C (NM_001407959.1, NM_001407962.1, NM_001408512.1 and 4 more transcripts); c.-54-9A>C (NM_001407885.1, NM_001407886.1, NM_001407898.1 and 58 more transcripts); c.135-9A>C (NM_001407686.1, NM_001408397.1, NM_001407632.1 and 167 more transcripts); c.81-1586A>C (NM_001408451.1); c.135-1586A>C (NM_001408475.1, NM_001407875.1, NM_001407659.1 and 21 more transcripts).
Identifiers: ClinVar variation 867864 (VCV000867864.3), dbSNP rs2054798558, ClinGen allele CA916080926.
Genomic context (GRCh38, chr17:43,106,542, plus strand): 5'-AGGACACTGTGAAGGCCCTTTCTTCTGGTTGAGAAGTTTCAGCATGCAAAATCTATAAAT[T>G]ATAAAGAAAGAAAGAACAATTTAATTTACTTCCTTTTGTAGAAAGAATACTCAAAAGGCA-3'